The following is an entry in ClinVar:

NM_000179.3(MSH6):c.1174G>C (p.Asp392His)

Gene: MSH6 (mutS homolog 6; plus strand). Cytogenetic location: 2p16.3.
Variant type: single nucleotide variant.
Coding change: c.1174G>C on transcript NM_000179.3 (MANE Select); coding-DNA position 1174, G replaced by C.
Protein change: p.Asp392His; replaces aspartic acid 392 with histidine.
Molecular consequence: missense variant. On other transcripts: non-coding transcript variant (4), intron variant (1).
Genome position (GRCh38, 1-based): chr2:47,799,157, G>C. VCF-style: chr2-47799157-G-C. GRCh37 (hg19) VCF-style: chr2-48026296-G-C.
Other names: c.877G>C, p.Asp293His (NM_001406805.1, NM_001406797.1, NM_001406801.1 and 10 more transcripts); c.649G>C, p.Asp217His (NM_001406806.1, NM_001406807.1, NM_001406799.1); c.1174G>C, p.Asp392His (NM_001406808.1, NM_001406809.1, NM_001406796.1 and 4 more transcripts); c.268G>C, p.Asp90His (NM_001406811.1, NM_001406812.1, NM_001406814.1 and 6 more transcripts); c.1180G>C, p.Asp394His (NM_001406813.1); c.784G>C, p.Asp262His (NM_001281492.2); c.1270G>C, p.Asp424His (NM_001406795.1, NM_001406802.1); c.1096G>C, p.Asp366His (NM_001406804.1); and 2 more; short protein forms D217H, D293H, D392H, D262H, D336H, D424H, D366H, D394H.
Identifiers: ClinVar variation 2843424 (VCV002843424.3), dbSNP rs2104325326, ClinGen allele CA346742336.

ClinVar aggregate classification (germline): Uncertain significance (1 of 4 stars; one submission).

Conditions:
Hereditary nonpolyposis colorectal neoplasms. Identifiers: MedGen C0009405, MeSH D003123.

Submission:

Labcorp Genetics (formerly Invitae), Labcorp
Classification: Uncertain significance for Hereditary nonpolyposis colorectal neoplasms. Last evaluated: 2023-03-07. Review status: criteria provided, single submitter. Criteria: Invitae Variant Classification Sherloc (09022015). Collection method: clinical testing. Allele origin: germline.
Comment: In summary, the available evidence is currently insufficient to determine the role of this variant in disease. Therefore, it has been classified as a Variant of Uncertain Significance. Advanced modeling of protein sequence and biophysical properties (such as structural, functional, and spatial information, amino acid conservation, physicochemical variation, residue mobility, and thermodynamic stability) has been performed at Invitae for this missense variant, however the output from this modeling did not meet the statistical confidence thresholds required to predict the impact of this variant on MSH6 protein function. This variant has not been reported in the literature in individuals affected with MSH6-related conditions. This variant is not present in population databases (gnomAD no frequency). This sequence change replaces aspartic acid, which is acidic and polar, with histidine, which is basic and polar, at codon 392 of the MSH6 protein (p.Asp392His).